The following is an entry in ClinVar:

ClinVar aggregate classification (germline): Uncertain significance (1 of 4 stars; one submission).

Conditions:
Dilated cardiomyopathy 1O (CMD1O). Also called: CARDIOMYOPATHY, DILATED, WITH VENTRICULAR TACHYCARDIA. Identifiers: Orphanet 154, MedGen C1837839, MONDO:0012062, OMIM 608569.

Submission:

Labcorp Genetics (formerly Invitae), Labcorp
Classification: Uncertain significance for Dilated cardiomyopathy 1O. Last evaluated: 2019-05-27. Review status: criteria provided, single submitter. Criteria: Invitae Variant Classification Sherloc (09022015). Collection method: clinical testing. Allele origin: germline.
Comment: This variant is not present in population databases (ExAC no frequency). This sequence change replaces alanine with valine at codon 386 of the ABCC9 protein (p.Ala386Val). The alanine residue is highly conserved and there is a small physicochemical difference between alanine and valine. Algorithms developed to predict the effect of missense changes on protein structure and function are either unavailable or do not agree on the potential impact of this missense change (SIFT: "Deleterious"; PolyPhen-2: "Possibly Damaging"; Align-GVGD: "Class C0"). In summary, the available evidence is currently insufficient to determine the role of this variant in disease. Therefore, it has been classified as a Variant of Uncertain Significance. This variant has not been reported in the literature in individuals with ABCC9-related conditions.

NM_020297.4(ABCC9):c.1157C>T (p.Ala386Val)

Gene: ABCC9 (ATP binding cassette subfamily C member 9; minus strand). Cytogenetic location: 12p12.1.
Variant type: single nucleotide variant.
Coding change: c.1157C>T on transcript NM_020297.4 (MANE Select); coding-DNA position 1157, C replaced by T.
Protein change: p.Ala386Val; replaces alanine 386 with valine.
Molecular consequence: missense variant.
Genome position (GRCh38, 1-based): chr12:21,910,833, G>A on the plus strand (C>T on the coding strand, the complement: ABCC9 is on the minus strand). VCF-style: chr12-21910833-G-A. GRCh37 (hg19) VCF-style: chr12-22063767-G-A.
Other names: c.1157C>T, p.Ala386Val (NM_001377273.1, NM_005691.4); c.293C>T, p.Ala98Val (NM_001377274.1); short protein forms A386V, A98V.
Identifiers: ClinVar variation 939912 (VCV000939912.9), dbSNP rs1948289876, ClinGen allele CA384119238.